The following is an entry in ClinVar:

ClinVar aggregate classification (germline): Uncertain significance (1 of 4 stars; one submission).

Submission:

GeneDx
Classification: Uncertain significance. Last evaluated: 2022-06-06. Review status: criteria provided, single submitter. Criteria: GeneDx Variant Classification Process June 2021. Collection method: clinical testing. Allele origin: germline. Affected: yes.
Comment: Not observed at significant frequency in large population cohorts (gnomAD); In silico analysis supports that this missense variant does not alter protein structure/function; Has not been previously published as pathogenic or benign to our knowledge

NM_021098.3(CACNA1H):c.172C>G (p.Arg58Gly)

Gene: CACNA1H (calcium voltage-gated channel subunit alpha1 H; plus strand). Cytogenetic location: 16p13.3.
Variant type: single nucleotide variant.
Coding change: c.172C>G on transcript NM_021098.3 (MANE Select); coding-DNA position 172, C replaced by G.
Protein change: p.Arg58Gly; replaces arginine 58 with glycine.
Molecular consequence: missense variant.
Genome position (GRCh38, 1-based): chr16:1,153,909, C>G. VCF-style: chr16-1153909-C-G. GRCh37 (hg19) VCF-style: chr16-1203909-C-G.
Other names: c.172C>G, p.Arg58Gly (NM_001005407.2); short protein forms R58G.
Identifiers: ClinVar variation 1803524 (VCV001803524.1), dbSNP rs1318598535, ClinGen allele CA394145751.
Genomic context (GRCh38, chr16:1,153,909, plus strand): 5'-CGCGAGGCGGAGCGGGGGTCCGAGCTCGGCGTGTCACCCTCCGAGAGCCCGGCGGCCGAG[C>G]GCGGCGCGGAGCTGGGTGCCGACGAGGAGCAGCGCGTCCCGTACCCGGCCTTGGCGGCCA-3'
Protein context (NP_066921.2, residues 48-68): VSPSESPAAE[Arg58Gly]GAELGADEEQ